The following is an entry in ClinVar:

ClinVar aggregate classification (germline): Uncertain significance (1 of 4 stars; one submission).

gnomAD v4.1: 18 of 1,531,308 alleles (0.0012%); highest among the groups gnomAD compares: South Asian, 0.0036%; no homozygotes.

Submission:

Labcorp Genetics (formerly Invitae), Labcorp
Classification: Uncertain significance. Last evaluated: 2023-11-18. Review status: criteria provided, single submitter. Criteria: Invitae Variant Classification Sherloc (09022015). Collection method: clinical testing. Allele origin: germline.
Comment: This sequence change affects codon 27 of the MAGEL2 mRNA. It is a 'silent' change, meaning that it does not change the encoded amino acid sequence of the MAGEL2 protein. This variant is present in population databases (no rsID available, gnomAD 0.005%). This variant has not been reported in the literature in individuals affected with MAGEL2-related conditions. In summary, the available evidence is currently insufficient to determine the role of this variant in disease. Therefore, it has been classified as a Variant of Uncertain Significance.

NM_019066.5(MAGEL2):c.81G>A (p.Thr27=)

Gene: MAGEL2 (MAGE family member L2; minus strand). Cytogenetic location: 15q11.2.
Variant type: single nucleotide variant.
Coding change: c.81G>A on transcript NM_019066.5 (MANE Select); coding-DNA position 81, G replaced by A.
Protein change: p.Thr27=; no amino-acid change (threonine 27 retained).
Molecular consequence: synonymous variant.
Genome position (GRCh38, 1-based): chr15:23,647,662, C>T on the plus strand (G>A on the coding strand, the complement: MAGEL2 is on the minus strand). VCF-style: chr15-23647662-C-T. GRCh37 (hg19) VCF-style: chr15-23892809-C-T.
Identifiers: ClinVar variation 3012011 (VCV003012011.3), dbSNP rs1055791590, ClinGen allele CA267661919.